The following is an entry in ClinVar:

ClinVar aggregate classification (germline): Uncertain significance (1 of 4 stars; one submission).

Submission:

Labcorp Genetics (formerly Invitae), Labcorp
Classification: Uncertain significance. Last evaluated: 2024-10-23. Review status: criteria provided, single submitter. Criteria: Invitae Variant Classification Sherloc (09022015). Collection method: clinical testing. Allele origin: germline.
Comment: This sequence change creates a premature translational stop signal (p.Asp1667*) in the FOCAD gene. It is expected to result in an absent or disrupted protein product. However, the current clinical and genetic evidence is not sufficient to establish whether loss-of-function variants in FOCAD cause disease. This variant is not present in population databases (gnomAD no frequency). This variant has not been reported in the literature in individuals affected with FOCAD-related conditions. Algorithms developed to predict the effect of sequence changes on RNA splicing suggest that this variant may disrupt the consensus splice site. In summary, the available evidence is currently insufficient to determine the role of this variant in disease. Therefore, it has been classified as a Variant of Uncertain Significance.

NM_001375567.1(FOCAD):c.4998_4999insTAG (p.Asp1667Ter)

Gene: FOCAD (focadhesin; plus strand). Cytogenetic location: 9p21.3.
Variant type: Insertion.
Coding change: c.4998_4999insTAG on transcript NM_001375567.1 (MANE Select); coding-DNA positions 4998 to 4999, TAG inserted.
Protein change: p.Asp1667Ter; replaces aspartic acid 1667 with a stop codon.
Molecular consequence: nonsense.
Genome position: GRCh38 VCF-style: chr9-20988423-T-TTAG. GRCh37 (hg19) VCF-style: chr9-20988422-T-TTAG.
Other names: c.4893_4894insTAG, p.Asp1632Ter (NM_001375568.1, NM_001375570.1); c.4998_4999insTAG, p.Asp1667Ter (NM_017794.5); short protein forms D1667*, D1632*.
Identifiers: ClinVar variation 3652283 (VCV003652283.2).